The following is an entry in ClinVar:

ClinVar aggregate classification (germline): Uncertain significance (1 of 4 stars; one submission).

Conditions:
Niemann-Pick disease, type C1. Also called: NEUROVISCERAL STORAGE DISEASE WITH VERTICAL SUPRANUCLEAR OPHTHALMOPLEGIA; NIEMANN-PICK DISEASE WITH CHOLESTEROL ESTERIFICATION BLOCK; NIEMANN-PICK DISEASE, VARIANT TYPE C1; NIEMANN-PICK DISEASE WITHOUT SPHINGOMYELINASE DEFICIENCY; NIEMANN-PICK DISEASE, CHRONIC NEURONOPATHIC FORM. Identifiers: Orphanet 646, MedGen C3179455, MONDO:0009757, OMIM 257220.

Submission:

Labcorp Genetics (formerly Invitae), Labcorp
Classification: Uncertain significance for Niemann-Pick disease, type C1. Last evaluated: 2022-07-30. Review status: criteria provided, single submitter. Criteria: Invitae Variant Classification Sherloc (09022015). Collection method: clinical testing. Allele origin: germline.
Comment: In summary, the available evidence is currently insufficient to determine the role of this variant in disease. Therefore, it has been classified as a Variant of Uncertain Significance. Variants that disrupt the consensus splice site are a relatively common cause of aberrant splicing (PMID: 17576681, 9536098). Algorithms developed to predict the effect of missense changes on protein structure and function (SIFT, PolyPhen-2, Align-GVGD) all suggest that this variant is likely to be tolerated. This variant has not been reported in the literature in individuals affected with NPC1-related conditions. This variant is not present in population databases (gnomAD no frequency). This sequence change replaces alanine, which is neutral and non-polar, with serine, which is neutral and polar, at codon 155 of the NPC1 protein (p.Ala155Ser). This variant also falls at the last nucleotide of exon 4, which is part of the consensus splice site for this exon.

Literature cited by the submitters: PubMed 17576681; PubMed 9536098.

NM_000271.5(NPC1):c.463G>T (p.Ala155Ser)

Gene: NPC1 (NPC intracellular cholesterol transporter 1; minus strand). Cytogenetic location: 18q11.2.
Variant type: single nucleotide variant.
Coding change: c.463G>T on transcript NM_000271.5 (MANE Select); coding-DNA position 463, G replaced by T.
Protein change: p.Ala155Ser; replaces alanine 155 with serine.
Molecular consequence: missense variant.
Genome position (GRCh38, 1-based): chr18:23,568,823, C>A on the plus strand (G>T on the coding strand, the complement: NPC1 is on the minus strand). VCF-style: chr18-23568823-C-A. GRCh37 (hg19) VCF-style: chr18-21148787-C-A.
Other names: short protein forms A155S.
Identifiers: ClinVar variation 2020595 (VCV002020595.4), dbSNP rs2511340606, ClinGen allele CA401784650.